The following is an entry in ClinVar:

ClinVar aggregate classification (germline): Uncertain significance (1 of 4 stars; one submission).

Allele frequency attached by ClinVar (database versions not stated): gnomAD exomes below 0.00001.

Submission:

Labcorp Genetics (formerly Invitae), Labcorp
Classification: Uncertain significance. Last evaluated: 2022-06-05. Review status: criteria provided, single submitter. Criteria: Invitae Variant Classification Sherloc (09022015). Collection method: clinical testing. Allele origin: germline.
Comment: In summary, the available evidence is currently insufficient to determine the role of this variant in disease. Therefore, it has been classified as a Variant of Uncertain Significance. This sequence change replaces glycine, which is neutral and non-polar, with aspartic acid, which is acidic and polar, at codon 88 of the ABCA12 protein (p.Gly88Asp). This variant is not present in population databases (gnomAD no frequency). This variant has not been reported in the literature in individuals affected with ABCA12-related conditions. ClinVar contains an entry for this variant (Variation ID: 1415012). Advanced modeling of protein sequence and biophysical properties (such as structural, functional, and spatial information, amino acid conservation, physicochemical variation, residue mobility, and thermodynamic stability) performed at Invitae indicates that this missense variant is not expected to disrupt ABCA12 protein function.

NM_173076.3(ABCA12):c.263G>A (p.Gly88Asp)

Gene: ABCA12 (ATP binding cassette subfamily A member 12; minus strand). Cytogenetic location: 2q35.
Variant type: single nucleotide variant.
Coding change: c.263G>A on transcript NM_173076.3 (MANE Select); coding-DNA position 263, G replaced by A.
Protein change: p.Gly88Asp; replaces glycine 88 with aspartic acid.
Molecular consequence: missense variant. On other transcripts: non-coding transcript variant (1).
Genome position (GRCh38, 1-based): chr2:215,064,120, C>T on the plus strand (G>A on the coding strand, the complement: ABCA12 is on the minus strand). VCF-style: chr2-215064120-C-T. GRCh37 (hg19) VCF-style: chr2-215928843-C-T.
Other names: short protein forms G88D.
Identifiers: ClinVar variation 1415012 (VCV001415012.7), dbSNP rs2106073215, ClinGen allele CA350458330.